The following is an entry in ClinVar:

ClinVar aggregate classification (germline): Uncertain significance. Review status: criteria provided, multiple submitters, no conflicts (2 of 4 stars). 3 submissions from 3 submitters: Uncertain significance (3). Last evaluated 2026-03-03.

Conditions:
Inborn genetic diseases. Identifiers: MedGen C0950123, MeSH D030342.

Allele frequency attached by ClinVar (database versions not stated): TOPMed 0.00005; ExAC 0.00006; ESP Exome Variant Server 0.00008; gnomAD 0.00008; 1000 Genomes Project 30x 0.00016; 1000 Genomes Project 0.00020.

Submissions (3):

Women's Health and Genetics/Laboratory Corporation of America, LabCorp
Classification: Uncertain significance. Last evaluated: 2026-03-03. Review status: criteria provided, single submitter. Criteria: LabCorp Variant Classification Summary - May 2015. Collection method: clinical testing. Allele origin: germline.

Ambry Genetics
Classification: Uncertain significance for Inborn genetic diseases. Last evaluated: 2025-08-06. Review status: criteria provided, single submitter. Criteria: Ambry Variant Classification Scheme 2023. Collection method: clinical testing. Allele origin: germline.

Labcorp Genetics (formerly Invitae), Labcorp
Classification: Uncertain significance. Last evaluated: 2022-08-08. Review status: criteria provided, single submitter. Criteria: Invitae Variant Classification Sherloc (09022015). Collection method: clinical testing. Allele origin: germline.
Comment: This sequence change replaces serine, which is neutral and polar, with leucine, which is neutral and non-polar, at codon 2670 of the COL7A1 protein (p.Ser2670Leu). This variant is present in population databases (rs143975533, gnomAD 0.007%). This variant has not been reported in the literature in individuals affected with COL7A1-related conditions. Advanced modeling of protein sequence and biophysical properties (such as structural, functional, and spatial information, amino acid conservation, physicochemical variation, residue mobility, and thermodynamic stability) performed at Invitae indicates that this missense variant is not expected to disrupt COL7A1 protein function. In summary, the available evidence is currently insufficient to determine the role of this variant in disease. Therefore, it has been classified as a Variant of Uncertain Significance.

NM_000094.4(COL7A1):c.8009C>T (p.Ser2670Leu)

Gene: COL7A1 (collagen type VII alpha 1 chain; minus strand). Cytogenetic location: 3p21.31.
Variant type: single nucleotide variant.
Coding change: c.8009C>T on transcript NM_000094.4 (MANE Select); coding-DNA position 8009, C replaced by T.
Protein change: p.Ser2670Leu; replaces serine 2670 with leucine.
Molecular consequence: missense variant.
Genome position (GRCh38, 1-based): chr3:48,567,611, G>A on the plus strand (C>T on the coding strand, the complement: COL7A1 is on the minus strand). VCF-style: chr3-48567611-G-A. GRCh37 (hg19) VCF-style: chr3-48605044-G-A.
Other names: short protein forms S2670L.
Identifiers: ClinVar variation 2153172 (VCV002153172.4), dbSNP rs143975533, ClinGen allele CA2378203.